The following is an entry in ClinVar:

NM_001329943.3(KIAA0586):c.4084A>T (p.Met1362Leu)

Gene: KIAA0586 (KIAA0586; plus strand). Cytogenetic location: 14q23.1.
Variant type: single nucleotide variant.
Coding change: c.4084A>T on transcript NM_001329943.3 (MANE Select); coding-DNA position 4084, A replaced by T.
Protein change: p.Met1362Leu; replaces methionine 1362 with leucine.
Molecular consequence: missense variant.
Genome position (GRCh38, 1-based): chr14:58,498,876, A>T. VCF-style: chr14-58498876-A-T. GRCh37 (hg19) VCF-style: chr14-58965594-A-T.
Other names: c.4243A>T, p.Met1415Leu (NM_001244189.2); c.4039A>T, p.Met1347Leu (NM_001244190.2); c.3829A>T, p.Met1277Leu (NM_001244191.2, NM_001329945.2, NM_001364700.1 and 1 more transcripts); c.3952A>T, p.Met1318Leu (NM_001244192.2, NM_001329947.2); c.3664A>T, p.Met1222Leu (NM_001244193.2); c.4084A>T, p.Met1362Leu (NM_001329944.2, NM_001329946.2); c.3856A>T, p.Met1286Leu (NM_014749.5); short protein forms M1222L, M1277L, M1286L, M1318L, M1347L, M1362L, M1415L.
Identifiers: ClinVar variation 1336837 (VCV001336837.37), dbSNP rs531527716, ClinGen allele CA7206315.

ClinVar aggregate classification (germline): Conflicting classifications of pathogenicity. Review status: criteria provided, conflicting classifications (1 of 4 stars). 5 submissions from 5 submitters: Uncertain significance (1); Likely benign (4). Last evaluated 2026-07-07.

Conditions:
Joubert syndrome 23 (JBTS23). Identifiers: Orphanet 475, MedGen C4084822, MONDO:0014664, OMIM 616490.
Short-rib thoracic dysplasia 14 with polydactyly (SRTD14). Identifiers: Orphanet 397715, MedGen C4225286, MONDO:0014688, OMIM 616546.
KIAA0586-related disorder. Also called: KIAA0586-related condition; KIAA0586- Related disorders.

Allele frequency attached by ClinVar (database versions not stated): gnomAD 0.00017 and 0.00029; TOPMed 0.00020; ExAC 0.00049; 1000 Genomes Project 30x 0.00141; 1000 Genomes Project 0.00160.

Submissions (5):

PreventionGenetics, part of Exact Sciences
Classification: Likely benign for KIAA0586-related condition. Last evaluated: 2026-07-07. Review status: criteria provided, single submitter. Criteria: ACMG Guidelines, 2015. Collection method: clinical testing. Allele origin: germline.
Comment: This variant is classified as likely benign based on ACMG/AMP sequence variant interpretation guidelines (Richards et al. 2015 PMID: 25741868, with internal and published modifications).

Labcorp Genetics (formerly Invitae), Labcorp
Classification: Likely benign for Joubert syndrome 23; Short-rib thoracic dysplasia 14 with polydactyly. Last evaluated: 2026-01-27. Review status: criteria provided, single submitter. Criteria: Invitae Variant Classification Sherloc (09022015). Collection method: clinical testing. Allele origin: germline.

Blueprint Genetics
Classification: Likely benign. Last evaluated: 2024-11-19. Review status: criteria provided, single submitter. Criteria: ACMG Guidelines, 2015. Collection method: clinical testing. Allele origin: germline.

CeGaT Center for Human Genetics Tuebingen
Classification: Likely benign. Last evaluated: 2022-05-01. Review status: criteria provided, single submitter. Criteria: CeGaT Center For Human Genetics Tuebingen Variant Classification Criteria Version 2. Collection method: clinical testing. Allele origin: germline. Affected: yes. Observed: 1 variant allele.
Comment: KIAA0586: BP4

Genetic Services Laboratory, University of Chicago
Classification: Uncertain significance. Last evaluated: 2018-08-21. Review status: criteria provided, single submitter. Criteria: ACMG Guidelines, 2015. Collection method: clinical testing. Allele origin: germline. Affected: no.